The following is an entry in ClinVar:

NM_000135.4(FANCA):c.2615T>C (p.Met872Thr)

Genes: FANCA (FA complementation group A; minus strand), LOC130059837 (ATAC-STARR-seq lymphoblastoid active region 11420; plus strand). Cytogenetic location: 16q24.3.
Variant type: single nucleotide variant.
Coding change: c.2615T>C on transcript NM_000135.4 (MANE Select); coding-DNA position 2615, T replaced by C.
Protein change: p.Met872Thr; replaces methionine 872 with threonine.
Molecular consequence: missense variant.
Genome position (GRCh38, 1-based): chr16:89,765,053, A>G on the plus strand (T>C on the coding strand, the complement: FANCA is on the minus strand). VCF-style: chr16-89765053-A-G. GRCh37 (hg19) VCF-style: chr16-89831461-A-G.
Other names: c.2615T>C, p.Met872Thr (NM_001286167.3); short protein forms M872T.
Identifiers: ClinVar variation 4870808 (VCV004870808.1).
Genomic context (GRCh38, chr16:89,765,053, plus strand): 5'-GAAAGGCTGGCTACGTCCTCCTCAGAAAGAGGCTGTCGGGCCTCTGAGAACAATCTGAAC[A>G]TGAGGAACTGAAACTGAAACAGAGAGTGACCCGGCCGTTTCTTCATTGCGCAAGTTTCAC-3'
Protein context (NP_000126.2, residues 862-882): PGLIKKFQFL[Met872Thr]FRLFSEARQP

ClinVar aggregate classification (germline): Uncertain significance (1 of 4 stars; one submission).

Conditions:
Inborn genetic diseases. Identifiers: MedGen C0950123, MeSH D030342.

gnomAD v4.1: 7 of 1,614,186 alleles (0.00043%); highest among the groups gnomAD compares: South Asian, 0.0055%; no homozygotes.

Submission:

Ambry Genetics
Classification: Uncertain significance for Inborn genetic diseases. Last evaluated: 2026-03-31. Review status: criteria provided, single submitter. Criteria: Ambry Variant Classification Scheme 2023. Collection method: clinical testing. Allele origin: germline.
Comment: The p.M872T variant (also known as c.2615T>C), located in coding exon 28 of the FANCA gene, results from a T to C substitution at nucleotide position 2615. The methionine at codon 872 is replaced by threonine, an amino acid with similar properties. This amino acid position is conserved. In addition, the in silico prediction for this alteration is inconclusive. Based on the available evidence, the clinical significance of this variant remains unclear.